The following is an entry in ClinVar:

NM_001142784.3(IL11RA):c.865dup (p.His289fs)

Gene: IL11RA (interleukin 11 receptor subunit alpha; plus strand). Cytogenetic location: 9p13.3.
Variant type: Duplication.
Coding change: c.865dup on transcript NM_001142784.3 (MANE Select); coding-DNA position 865, one base duplicated (C; older notation c.865dupC).
Protein change: p.His289fs; shifts the reading frame from histidine 289.
Molecular consequence: frameshift variant. On other transcripts: non-coding transcript variant (1).
Genome position (GRCh38, 1-based): chr9:34,659,813, C duplicated; the last of 4 consecutive C bases (chr9:34,659,810-34,659,813); duplicating any one gives the same sequence. VCF-style (leftmost placement, unchanged base first): chr9-34659809-G-GC. GRCh37 (hg19) VCF-style: chr9-34659806-G-GC.
Other names: c.865dupC (NM_001142784.3); short protein forms H289fs.
Identifiers: ClinVar variation 5043377 (VCV005043377.1).

ClinVar aggregate classification (germline): Pathogenic (1 of 4 stars; one submission).

Conditions:
Craniosynostosis and dental anomalies (CRSDA). Also called: KREIBORG-PAKISTANI SYNDROME. Identifiers: Orphanet 284149, MedGen C3280073, MONDO:0013615, OMIM 614188.

Submission:

Istanbul Faculty of Medicine, Istanbul University
Classification: Pathogenic for Craniosynostosis and dental anomalies. Last evaluated: 2026-09-28. Review status: criteria provided, single submitter. Criteria: ACMG Guidelines, 2015. Collection method: clinical testing. Allele origin: germline. Affected: yes.
Comment: NM_001142784.3:c.865dupC (p.His289ProfsTer70) is a frameshift variant in exon 9 of 13 of IL11RA. Classified as Pathogenic according to the ACMG/AMP guidelines (Richards et al., 2015), based on the following evidence: PVS1 - null variant (frameshift) in a gene where loss of function is the established mechanism of disease (autosomal recessive craniosynostosis and dental anomalies, OMIM 614188); the premature termination codon lies upstream of the last exon and is predicted to trigger nonsense-mediated mRNA decay. PM2 - the variant is absent from population databases (gnomAD). PM3 - the variant was detected in the homozygous state in an affected individual with this autosomal recessive disorder. PP4 - the patient's phenotype (craniosynostosis and dental anomalies) is highly specific for IL11RA-related disease.